The following is an entry in ClinVar:

ClinVar aggregate classification (germline): Likely benign (1 of 4 stars; one submission).

gnomAD v4.1: 19 of 1,529,604 alleles (0.0012%); highest among the groups gnomAD compares: Non-Finnish European, 0.0016%; no homozygotes.

Submission:

CeGaT Center for Human Genetics Tuebingen
Classification: Likely benign. Last evaluated: 2026-07-01. Review status: criteria provided, single submitter. Criteria: CeGaT Center For Human Genetics Tuebingen Variant Classification Criteria Version 2. Collection method: clinical testing. Allele origin: germline. Affected: yes. Observed: 1 variant allele.
Comment: KDELR2: BP4, BP7

NM_006854.4(KDELR2):c.48C>T (p.Ile16=)

Genes: KDELR2 (KDEL endoplasmic reticulum protein retention receptor 2; minus strand), LOC129997936 (ATAC-STARR-seq lymphoblastoid silent region 17944; plus strand). Cytogenetic location: 7p22.1.
Variant type: single nucleotide variant.
Coding change: c.48C>T on transcript NM_006854.4 (MANE Select); coding-DNA position 48, C replaced by T.
Protein change: p.Ile16=; no amino-acid change (isoleucine 16 retained).
Molecular consequence: synonymous variant.
Genome position (GRCh38, 1-based): chr7:6,484,010, G>A on the plus strand (C>T on the coding strand, the complement: KDELR2 is on the minus strand). VCF-style: chr7-6484010-G-A. GRCh37 (hg19) VCF-style: chr7-6523641-G-A.
Other names: c.48C>T, p.Ile16= (NM_001100603.2).
Identifiers: ClinVar variation 5038863 (VCV005038863.1).